The following is an entry in ClinVar:

NM_014159.7(SETD2):c.1523G>T (p.Gly508Val)

Gene: SETD2 (SET domain containing 2, histone lysine methyltransferase; minus strand). Cytogenetic location: 3p21.31.
Variant type: single nucleotide variant.
Coding change: c.1523G>T on transcript NM_014159.7 (MANE Select); coding-DNA position 1523, G replaced by T.
Protein change: p.Gly508Val; replaces glycine 508 with valine.
Molecular consequence: missense variant. On other transcripts: non-coding transcript variant (1).
Genome position (GRCh38, 1-based): chr3:47,123,113, C>A on the plus strand (G>T on the coding strand, the complement: SETD2 is on the minus strand). VCF-style: chr3-47123113-C-A. GRCh37 (hg19) VCF-style: chr3-47164603-C-A.
Other names: c.1391G>T, p.Gly464Val (NM_001349370.3); short protein forms G508V, G464V.
Identifiers: ClinVar variation 965125 (VCV000965125.39), dbSNP rs768072239, ClinGen allele CA2363675.

ClinVar aggregate classification (germline): Conflicting classifications of pathogenicity. Review status: criteria provided, conflicting classifications (1 of 4 stars). 6 submissions from 6 submitters: Uncertain significance (5); Likely benign (1). Last evaluated 2025-04-09.

Conditions:
Luscan-Lumish syndrome. Identifiers: Orphanet 597738, MedGen C4085873, MONDO:0014791, OMIM 616831.
Rabin-Pappas syndrome. Identifiers: MedGen C5774269, MONDO:0859331, OMIM 620155.
Intellectual developmental disorder, autosomal dominant 70. Identifiers: MedGen C5774271, MONDO:0859333, OMIM 620157.
Inborn genetic diseases. Identifiers: MedGen C0950123, MeSH D030342.

Allele frequency attached by ClinVar (database versions not stated): ExAC 0.00001; gnomAD 0.00001; gnomAD exomes 0.00002; TOPMed 0.00003.
gnomAD v4.1: 34 of 1,612,640 alleles (0.0021%); highest among the groups gnomAD compares: Non-Finnish European, 0.0028%; no homozygotes.

Submissions (6):

GeneDx
Classification: Uncertain significance. Last evaluated: 2025-04-09. Review status: criteria provided, single submitter. Criteria: GeneDx Variant Classification Process June 2021. Collection method: clinical testing. Allele origin: germline. Affected: yes.
Comment: In silico analysis supports that this missense variant has a deleterious effect on protein structure/function; Has not been previously published as pathogenic or benign to our knowledge

CeGaT Center for Human Genetics Tuebingen
Classification: Uncertain significance. Last evaluated: 2024-11-01. Review status: criteria provided, single submitter. Criteria: CeGaT Center For Human Genetics Tuebingen Variant Classification Criteria Version 2. Collection method: clinical testing. Allele origin: germline. Affected: yes. Observed: 2 variant alleles.
Comment: SETD2: PM2:Supporting, BP4

Department of Pathology and Laboratory Medicine, Sinai Health System
Classification: Uncertain significance for Luscan-Lumish syndrome; Rabin-Pappas syndrome; Intellectual developmental disorder, autosomal dominant 70. Last evaluated: 2023-01-24. Review status: criteria provided, single submitter. Criteria: ACMG Guidelines, 2015. Collection method: research. Allele origin: germline.

Ambry Genetics
Classification: Likely benign for Inborn genetic diseases. Last evaluated: 2022-12-01. Review status: criteria provided, single submitter. Criteria: Ambry Variant Classification Scheme 2023. Collection method: clinical testing. Allele origin: germline.

Genome-Nilou Lab
Classification: Uncertain significance for Luscan-Lumish syndrome. Last evaluated: 2022-03-15. Review status: criteria provided, single submitter. Criteria: ACMG Guidelines, 2015. Collection method: clinical testing. Allele origin: germline. Affected: no.

Labcorp Genetics (formerly Invitae), Labcorp
Classification: Uncertain significance for Luscan-Lumish syndrome. Last evaluated: 2020-03-10. Review status: criteria provided, single submitter. Criteria: Invitae Variant Classification Sherloc (09022015). Collection method: clinical testing. Allele origin: germline.
Comment: This sequence change replaces glycine with valine at codon 508 of the SETD2 protein (p.Gly508Val). The glycine residue is moderately conserved and there is a moderate physicochemical difference between glycine and valine. This variant is present in population databases (rs768072239, ExAC 0.002%). This variant has not been reported in the literature in individuals with SETD2-related conditions. Algorithms developed to predict the effect of missense changes on protein structure and function are either unavailable or do not agree on the potential impact of this missense change (SIFT: "Deleterious"; PolyPhen-2: "Probably Damaging"; Align-GVGD: "Class C0"). In summary, the available evidence is currently insufficient to determine the role of this variant in disease. Therefore, it has been classified as a Variant of Uncertain Significance.